The following is an entry in ClinVar:

NM_000111.3(SLC26A3):c.430G>A (p.Ala144Thr)

Gene: SLC26A3 (solute carrier family 26 member 3; minus strand). Cytogenetic location: 7q22.3.
Variant type: single nucleotide variant.
Coding change: c.430G>A on transcript NM_000111.3 (MANE Select); coding-DNA position 430, G replaced by A.
Protein change: p.Ala144Thr; replaces alanine 144 with threonine.
Molecular consequence: missense variant.
Genome position (GRCh38, 1-based): chr7:107,791,188, C>T on the plus strand (G>A on the coding strand, the complement: SLC26A3 is on the minus strand). VCF-style: chr7-107791188-C-T. GRCh37 (hg19) VCF-style: chr7-107431633-C-T.
Other names: c.430G>A (NM_000111.2); short protein forms A144T.
Identifiers: ClinVar variation 1523502 (VCV001523502.4), dbSNP rs762512404, ClinGen allele CA4434130.

ClinVar aggregate classification (germline): Uncertain significance. Review status: criteria provided, multiple submitters, no conflicts (2 of 4 stars). 2 submissions from 2 submitters: Uncertain significance (2). Last evaluated 2025-07-15.

Conditions:
Inborn genetic diseases. Identifiers: MedGen C0950123, MeSH D030342.

Allele frequency attached by ClinVar (database versions not stated): gnomAD exomes below 0.00001 and 0.00001; TOPMed below 0.00001; ExAC 0.00001; gnomAD 0.00001.

Submissions (2):

Ambry Genetics
Classification: Uncertain significance for Inborn genetic diseases. Last evaluated: 2025-07-15. Review status: criteria provided, single submitter. Criteria: Ambry Variant Classification Scheme 2023. Collection method: clinical testing. Allele origin: germline.

Labcorp Genetics (formerly Invitae), Labcorp
Classification: Uncertain significance. Last evaluated: 2021-11-08. Review status: criteria provided, single submitter. Criteria: Invitae Variant Classification Sherloc (09022015). Collection method: clinical testing. Allele origin: germline.
Comment: This sequence change replaces alanine, which is neutral and non-polar, with threonine, which is neutral and polar, at codon 144 of the SLC26A3 protein (p.Ala144Thr). This variant is present in population databases (rs762512404, gnomAD 0.006%). This variant has not been reported in the literature in individuals affected with SLC26A3-related conditions. Advanced modeling of protein sequence and biophysical properties (such as structural, functional, and spatial information, amino acid conservation, physicochemical variation, residue mobility, and thermodynamic stability) performed at Invitae indicates that this missense variant is not expected to disrupt SLC26A3 protein function. In summary, the available evidence is currently insufficient to determine the role of this variant in disease. Therefore, it has been classified as a Variant of Uncertain Significance.